The following is an entry in ClinVar:

ClinVar aggregate classification (germline): Likely pathogenic (0 of 4 stars; one submission).

Conditions:
Congenital secretory diarrhea, chloride type (DIAR1). Also called: DIARRHEA 1, SECRETORY CHLORIDE, CONGENITAL; CHLORIDORRHEA, CONGENITAL; CHLORIDE DIARRHEA, CONGENITAL, FINNISH TYPE. Identifiers: Orphanet 53689, MedGen C0267662, MONDO:0008964, OMIM 214700.

Submission:

Juha Muilu Group; Institute for Molecular Medicine Finland (FIMM)
Classification: Likely pathogenic for Congenital secretory diarrhea, chloride type. Review status: no assertion criteria provided. Collection method: not provided. Allele origin: unknown.
Comment: FinDis database variant: This variant was not found or characterized by our laboratory, data were collected from public sources: see reference
ClinVar note: Converted during submission from probable-pathogenic to Likely pathogenic.

NM_000111.3(SLC26A3):c.392del (p.Pro131fs)

Gene: SLC26A3 (solute carrier family 26 member 3; minus strand). Cytogenetic location: 7q22.3.
Variant type: Deletion.
Coding change: c.392del on transcript NM_000111.3 (MANE Select); coding-DNA position 392, one base deleted (C; older notation c.392delC).
Protein change: p.Pro131fs; shifts the reading frame from proline 131.
Molecular consequence: frameshift variant.
Genome position (GRCh38, 1-based): chr7:107,791,226, G deleted on the plus strand (C on the coding strand, the reverse complement: SLC26A3 is on the minus strand); the first of 2 consecutive G bases (chr7:107,791,226-107,791,227); deleting either gives the same sequence. VCF-style (leftmost placement, unchanged base first): chr7-107791225-CG-C. GRCh37 (hg19) VCF-style: chr7-107431670-CG-C.
Other names: c.392delC (NM_000111.2); short protein forms P131fs.
Identifiers: ClinVar variation 56001 (VCV000056001.2), dbSNP rs386833482, ClinGen allele CA144101.
Genomic context (GRCh38, chr7:107,791,225, plus strand): 5'-ATCTGGGACTGCTTTTGAAACTGCTCCTGAAACTGCTAGTCCCACCATCATACTCAGAAT[CG>C]GAAACGGACCTAATTAACAGTGGGTGAATCGTGGTCAGTATATGCCTCTCTAAAGCACAT-3'